The following is an entry in ClinVar:

ClinVar aggregate classification (germline): Pathogenic (1 of 4 stars; one submission).

Conditions:
Primary ciliary dyskinesia. Also called: Ciliary dyskinesia. Identifiers: Orphanet 244, MedGen C0008780, MONDO:0016575, HP:0012265.

Submission:

Labcorp Genetics (formerly Invitae), Labcorp
Classification: Pathogenic for Primary ciliary dyskinesia. Last evaluated: 2023-11-25. Review status: criteria provided, single submitter. Criteria: Invitae Variant Classification Sherloc (09022015). Collection method: clinical testing. Allele origin: germline.
Comment: This sequence change creates a premature translational stop signal (p.Glu2058Glyfs*14) in the DNAH5 gene. It is expected to result in an absent or disrupted protein product. Loss-of-function variants in DNAH5 are known to be pathogenic (PMID: 11788826, 16627867). This variant is not present in population databases (gnomAD no frequency). This variant has not been reported in the literature in individuals affected with DNAH5-related conditions. Algorithms developed to predict the effect of sequence changes on RNA splicing suggest that this variant may disrupt the consensus splice site. For these reasons, this variant has been classified as Pathogenic.

Literature cited by the submitters: PubMed 11788826; PubMed 16627867.

NM_001369.3(DNAH5):c.6173del (p.Glu2058fs)

Gene: DNAH5 (dynein axonemal heavy chain 5; minus strand). Cytogenetic location: 5p15.2.
Variant type: Deletion.
Coding change: c.6173del on transcript NM_001369.3 (MANE Select); coding-DNA position 6173, one base deleted (A; older notation c.6173delA).
Protein change: p.Glu2058fs; shifts the reading frame from glutamic acid 2058.
Molecular consequence: frameshift variant.
Genome position (GRCh38, 1-based): chr5:13,830,102, T deleted on the plus strand (A on the coding strand, the reverse complement: DNAH5 is on the minus strand). VCF-style (leftmost placement, unchanged base first): chr5-13830101-CT-C. GRCh37 (hg19) VCF-style: chr5-13830210-CT-C.
Other names: short protein forms E2058fs.
Identifiers: ClinVar variation 2697108 (VCV002697108.3), dbSNP rs2546878658, ClinGen allele CA2697547026.